The following is an entry in ClinVar:

ClinVar aggregate classification (germline): Pathogenic (1 of 4 stars; one submission).

Conditions:
Familial adenomatous polyposis 1 (FAP1). Also called: POLYPOSIS, ADENOMATOUS INTESTINAL; FAMILIAL ADENOMATOUS POLYPOSIS 1, ATTENUATED. Identifiers: MedGen C2713442, MONDO:0021056, OMIM 175100. Disease mechanism: loss of function.

Submission:

Labcorp Genetics (formerly Invitae), Labcorp
Classification: Pathogenic for Familial adenomatous polyposis 1. Last evaluated: 2019-04-07. Review status: criteria provided, single submitter. Criteria: Invitae Variant Classification Sherloc (09022015). Collection method: clinical testing. Allele origin: germline.
Comment: A different truncation (p.Tyr2645Lysfs*14) that lies downstream of this variant has been determined to be pathogenic (PMID: 9824584, 1316610, 27081525, 8381579, 22135120, Invitae). This suggests that deletion of this region of the APC protein is causative of disease. For these reasons, this variant has been classified as Pathogenic. This variant is expected to disrupt the EB1 and HDLG binding sites, which mediate interactions with the cytoskeleton (PMID: 15311282, 17293347). While functional studies have not been performed to directly test the effect on APC protein function, this suggests that disruption of the C-terminal portion of the protein is functionally important. This variant has not been reported in the literature in individuals with APC-related conditions. This sequence change results in a premature translational stop signal in the APC gene (p.Ser1281*). While this is not anticipated to result in nonsense mediated decay, it is expected to disrupt the last 1563 amino acids of the APC protein. This variant is not present in population databases (ExAC no frequency).

Literature cited by the submitters: PubMed 9824584; PubMed 1316610; PubMed 27081525; PubMed 8381579; PubMed 22135120; PubMed 15311282; PubMed 17293347.

NM_000038.6(APC):c.3842C>G (p.Ser1281Ter)

Gene: APC (APC regulator of Wnt signaling pathway; plus strand). Cytogenetic location: 5q22.2.
Variant type: single nucleotide variant.
Coding change: c.3842C>G on transcript NM_000038.6 (MANE Select); coding-DNA position 3842, C replaced by G.
Protein change: p.Ser1281Ter; replaces serine 1281 with a stop codon.
Molecular consequence: nonsense.
Genome position (GRCh38, 1-based): chr5:112,839,436, C>G. VCF-style: chr5-112839436-C-G. GRCh37 (hg19) VCF-style: chr5-112175133-C-G.
Other names: c.3842C>G, p.Ser1281Ter (NM_001127510.3, NM_001354895.2); c.3788C>G, p.Ser1263Ter (NM_001127511.3); c.3896C>G, p.Ser1299Ter (NM_001354896.2); c.3872C>G, p.Ser1291Ter (NM_001354897.2); c.3767C>G, p.Ser1256Ter (NM_001354898.2); c.3758C>G, p.Ser1253Ter (NM_001354899.2); c.3719C>G, p.Ser1240Ter (NM_001354900.2); c.3665C>G, p.Ser1222Ter (NM_001354901.2); and 5 more; short protein forms S1240*, S1281*, S1121*, S1253*, S1180*, S1222*, S1256*, S1155*.
Identifiers: ClinVar variation 952911 (VCV000952911.11), dbSNP rs1765536013, ClinGen allele CA16029761.
Genomic context (GRCh38, chr5:112,839,436, plus strand): 5'-CTTATTGTGTAGAAGATACTCCAATATGTTTTTCAAGATGTAGTTCATTATCATCTTTGT[C>G]ATCAGCTGAAGATGAAATAGGATGTAATCAGACGACACAGGAAGCAGATTCTGCTAATAC-3'